The following is an entry in ClinVar:

ClinVar aggregate classification (germline): Uncertain significance. Review status: criteria provided, multiple submitters, no conflicts (2 of 4 stars). 6 submissions from 6 submitters: Uncertain significance (6). Last evaluated 2026-07-01.

Conditions:
Familial thoracic aortic aneurysm and aortic dissection (TAAD). Also called: Thoracic aortic aneurysms and dissections. Identifiers: Orphanet 91387, MedGen C4707243, MONDO:0019625.
Aortic aneurysm, familial thoracic 4 (AAT4). Also called: AORTIC ANEURYSM/AORTIC DISSECTION AND PATENT DUCTUS ARTERIOSUS. Identifiers: MedGen C1851504, MONDO:0007568, OMIM 132900.

Allele frequency attached by ClinVar (database versions not stated): gnomAD exomes 0.00001 and below 0.00001.
gnomAD v4.1: 7 of 1,613,274 alleles (0.00043%); highest among the groups gnomAD compares: African/African-American, 0.0027%; no homozygotes.

Submissions (6):

Ambry Genetics
Classification: Uncertain significance for Familial thoracic aortic aneurysm and aortic dissection. Last evaluated: 2026-07-01. Review status: criteria provided, single submitter. Criteria: Ambry Variant Classification Scheme 2023. Collection method: clinical testing. Allele origin: germline.

Color Diagnostics, LLC DBA Color Health
Classification: Uncertain significance for Familial thoracic aortic aneurysm and aortic dissection. Last evaluated: 2024-03-07. Review status: criteria provided, single submitter. Criteria: ACMG Guidelines, 2015. Collection method: clinical testing. Allele origin: germline.
Comment: This missense variant replaces leucine with valine at codon 1099 of the MYH11 protein. Computational prediction is inconclusive regarding the impact of this variant on protein structure and function (internally defined REVEL score threshold 0.5 < inconclusive < 0.7, PMID: 27666373). To our knowledge, functional studies have not been reported for this variant. This variant has not been reported in individuals affected with MYH11-related disorders in the literature. This variant has been identified in 1/250904 chromosomes in the general population by the Genome Aggregation Database (gnomAD). The available evidence is insufficient to determine the role of this variant in disease conclusively. Therefore, this variant is classified as a Variant of Uncertain Significance.

All of Us Research Program, National Institutes of Health
Classification: Uncertain significance for Familial thoracic aortic aneurysm and aortic dissection. Last evaluated: 2023-12-01. Review status: criteria provided, single submitter. Criteria: ACMG Guidelines, 2015. Collection method: clinical testing. Allele origin: germline. Inheritance: Autosomal dominant inheritance. Observed: 5 variant alleles, 5 heterozygotes.
Comment: This missense variant replaces leucine with valine at codon 1099 of the MYH11 protein. Computational prediction is inconclusive regarding the impact of this variant on protein structure and function (internally defined REVEL score threshold 0.5 < inconclusive < 0.7, PMID: 27666373). Splice site prediction tools suggest that this variant may not impact RNA splicing. To our knowledge, functional studies have not been performed for this variant. This variant has not been reported in individuals affected with cardiovascular disorders in the literature. This variant has been identified in 1/250904 chromosomes in the general population by the Genome Aggregation Database (gnomAD). The available evidence is insufficient to determine the role of this variant in disease conclusively. Therefore, this variant is classified as a Variant of Uncertain Significance.

This study involves interpretation of variants in research participants for the purpose of population health screening. Participant phenotype was not available at the time of variant classification. Additional details can be found in publication PMID: 35346344, PMCID: PMC8962531

Labcorp Genetics (formerly Invitae), Labcorp
Classification: Uncertain significance for Aortic aneurysm, familial thoracic 4. Last evaluated: 2022-07-15. Review status: criteria provided, single submitter. Criteria: Invitae Variant Classification Sherloc (09022015). Collection method: clinical testing. Allele origin: germline.
Comment: This sequence change replaces leucine, which is neutral and non-polar, with valine, which is neutral and non-polar, at codon 1099 of the MYH11 protein (p.Leu1099Val). This variant is present in population databases (no rsID available, gnomAD 0.0009%). This variant has not been reported in the literature in individuals affected with MYH11-related conditions. ClinVar contains an entry for this variant (Variation ID: 847460). Algorithms developed to predict the effect of missense changes on protein structure and function are either unavailable or do not agree on the potential impact of this missense change (SIFT: "Deleterious"; PolyPhen-2: "Possibly Damaging"; Align-GVGD: "Class C15"). Algorithms developed to predict the effect of sequence changes on RNA splicing suggest that this variant may create or strengthen a splice site. In summary, the available evidence is currently insufficient to determine the role of this variant in disease. Therefore, it has been classified as a Variant of Uncertain Significance.

GeneDx
Classification: Uncertain significance. Last evaluated: 2022-02-24. Review status: criteria provided, single submitter. Criteria: GeneDx Variant Classification Process June 2021. Collection method: clinical testing. Allele origin: germline. Affected: yes.
Comment: Has not been previously published as pathogenic or benign to our knowledge; Not observed at significant frequency in large population cohorts (gnomAD); At the protein level, in silico analysis supports that this missense variant does not alter protein structure/function; At the mRNA level, in silico analysis, which includes splice predictors and evolutionary conservation, suggests this variant may impact gene splicing. In the absence of RNA/functional studies, the actual effect of this sequence change is unknown.

Illumina Laboratory Services, Illumina
Classification: Uncertain significance for Aortic aneurysm, familial thoracic 4. Last evaluated: 2018-01-12. Review status: criteria provided, single submitter. Criteria: ICSL Variant Classification Criteria 13 December 2019. Collection method: clinical testing. Allele origin: germline.

NM_002474.3(MYH11):c.3274C>G (p.Leu1092Val)

Gene: MYH11 (myosin heavy chain 11; minus strand). Cytogenetic location: 16p13.11.
Variant type: single nucleotide variant.
Coding change: c.3274C>G on transcript NM_002474.3 (MANE Select); coding-DNA position 3274, C replaced by G.
Protein change: p.Leu1092Val; replaces leucine 1092 with valine.
Molecular consequence: missense variant.
Genome position (GRCh38, 1-based): chr16:15,737,468, G>C on the plus strand (C>G on the coding strand, the complement: MYH11 is on the minus strand). VCF-style: chr16-15737468-G-C. GRCh37 (hg19) VCF-style: chr16-15831325-G-C.
Other names: c.3295C>G, p.Leu1099Val (NM_001040113.2, NM_001040114.2); c.3274C>G, p.Leu1092Val (NM_022844.3); short protein forms L1092V, L1099V.
Identifiers: ClinVar variation 847460 (VCV000847460.21), dbSNP rs945042608, ClinGen allele CA278623194.
Genomic context (GRCh38, chr16:15,737,468, plus strand): 5'-TACATGGACACACAGCAAATGCCCCTTGCCAGCCCCGCTACCTGGCCAGGGCCGCCTGCA[G>C]CTCCTCCTCCTTCTTGGCCAGCTGCATCTTGAGCTCTGCGATCTGCGCCTGGAGGTCAGC-3'
Protein context (NP_002465.1, residues 1082-1102): KMQLAKKEEE[Leu1092Val]QAALARLDDE